The following is an entry in ClinVar:

NM_002693.3(POLG):c.796G>C (p.Val266Leu)

Gene: POLG (DNA polymerase gamma, catalytic subunit; minus strand). Cytogenetic location: 15q26.1.
Variant type: single nucleotide variant.
Coding change: c.796G>C on transcript NM_002693.3 (MANE Select); coding-DNA position 796, G replaced by C.
Protein change: p.Val266Leu; replaces valine 266 with leucine.
Molecular consequence: missense variant.
Genome position (GRCh38, 1-based): chr15:89,330,140, C>G on the plus strand (G>C on the coding strand, the complement: POLG is on the minus strand). VCF-style: chr15-89330140-C-G. GRCh37 (hg19) VCF-style: chr15-89873371-C-G.
Other names: c.796G>C, p.Val266Leu (NM_001126131.2); short protein forms V266L.
Identifiers: ClinVar variation 2825939 (VCV002825939.3), dbSNP rs2055575237, ClinGen allele CA393766815.

ClinVar aggregate classification (germline): Uncertain significance (1 of 4 stars; one submission).

Conditions:
Progressive sclerosing poliodystrophy (MTDPS4A). Also called: ALPERS PROGRESSIVE INFANTILE POLIODYSTROPHY; NEURONAL DEGENERATION OF CHILDHOOD WITH LIVER DISEASE, PROGRESSIVE; Alpers Syndrome; ALPERS DIFFUSE DEGENERATION OF CEREBRAL GRAY MATTER WITH HEPATIC CIRRHOSIS; Alpers-Huttenlocher Syndrome; Mitochondrial DNA Depletion Syndrome 4A. Identifiers: Orphanet 726, MedGen C0205710, MONDO:0008758, OMIM 203700.

Submission:

Labcorp Genetics (formerly Invitae), Labcorp
Classification: Uncertain significance for Progressive sclerosing poliodystrophy. Last evaluated: 2023-01-02. Review status: criteria provided, single submitter. Criteria: Invitae Variant Classification Sherloc (09022015). Collection method: clinical testing. Allele origin: germline.
Comment: Algorithms developed to predict the effect of missense changes on protein structure and function (SIFT, PolyPhen-2, Align-GVGD) all suggest that this variant is likely to be tolerated. In summary, the available evidence is currently insufficient to determine the role of this variant in disease. Therefore, it has been classified as a Variant of Uncertain Significance. This variant has not been reported in the literature in individuals affected with POLG-related conditions. This variant is not present in population databases (gnomAD no frequency). This sequence change replaces valine, which is neutral and non-polar, with leucine, which is neutral and non-polar, at codon 266 of the POLG protein (p.Val266Leu).